The following is an entry in ClinVar:

ClinVar aggregate classification (germline): Conflicting classifications of pathogenicity. Review status: criteria provided, conflicting classifications (1 of 4 stars). 2 submissions from 2 submitters: Uncertain significance (1); Likely benign (1). Last evaluated 2022-09-28.

Conditions:
Noonan syndrome 9 (NS9). Identifiers: Orphanet 648, MedGen C4225282, MONDO:0014691, OMIM 616559.
Cardiovascular phenotype. Identifiers: MedGen CN230736.

Allele frequency attached by ClinVar (database versions not stated): ExAC 0.00002; ESP Exome Variant Server 0.00008; gnomAD 0.00001; gnomAD exomes 0.00001; TOPMed 0.00001.
gnomAD v4.1: 9 of 1,580,574 alleles (0.00057%); highest among the groups gnomAD compares: Non-Finnish European, 0.00069%; no homozygotes.

Submissions (2):

Ambry Genetics
Classification: Uncertain significance for Cardiovascular phenotype. Last evaluated: 2022-09-28. Review status: criteria provided, single submitter. Criteria: Ambry Variant Classification Scheme 2023. Collection method: clinical testing. Allele origin: germline.
Comment: The p.T37I variant (also known as c.110C>T), located in coding exon 2 of the SOS2 gene, results from a C to T substitution at nucleotide position 110. The threonine at codon 37 is replaced by isoleucine, an amino acid with similar properties. This amino acid position is conserved. In addition, this alteration is predicted to be tolerated by in silico analysis. Since supporting evidence is limited at this time, the clinical significance of this alteration remains unclear.

Labcorp Genetics (formerly Invitae), Labcorp
Classification: Likely benign for Noonan syndrome 9. Last evaluated: 2022-07-25. Review status: criteria provided, single submitter. Criteria: Invitae Variant Classification Sherloc (09022015). Collection method: clinical testing. Allele origin: germline.

NM_006939.4(SOS2):c.110C>T (p.Thr37Ile)

Gene: SOS2 (SOS Ras/Rho guanine nucleotide exchange factor 2; minus strand). Cytogenetic location: 14q21.3.
Variant type: single nucleotide variant.
Coding change: c.110C>T on transcript NM_006939.4 (MANE Select); coding-DNA position 110, C replaced by T.
Protein change: p.Thr37Ile; replaces threonine 37 with isoleucine.
Molecular consequence: missense variant.
Genome position (GRCh38, 1-based): chr14:50,204,387, G>A on the plus strand (C>T on the coding strand, the complement: SOS2 is on the minus strand). VCF-style: chr14-50204387-G-A. GRCh37 (hg19) VCF-style: chr14-50671105-G-A.
Other names: c.110C>T, p.Thr37Ile (NM_001411020.1); short protein forms T37I.
Identifiers: ClinVar variation 1794719 (VCV001794719.7), dbSNP rs370550495, ClinGen allele CA7177608.